The following is an entry in ClinVar:

ClinVar aggregate classification (germline): Uncertain significance (1 of 4 stars; one submission).

Submission:

Labcorp Genetics (formerly Invitae), Labcorp
Classification: Uncertain significance. Last evaluated: 2022-07-19. Review status: criteria provided, single submitter. Criteria: Invitae Variant Classification Sherloc (09022015). Collection method: clinical testing. Allele origin: germline.
Comment: This sequence change replaces leucine, which is neutral and non-polar, with proline, which is neutral and non-polar, at codon 1544 of the UBR1 protein (p.Leu1544Pro). This variant is not present in population databases (gnomAD no frequency). This variant has not been reported in the literature in individuals affected with UBR1-related conditions. Algorithms developed to predict the effect of missense changes on protein structure and function (SIFT, PolyPhen-2, Align-GVGD) all suggest that this variant is likely to be disruptive. In summary, the available evidence is currently insufficient to determine the role of this variant in disease. Therefore, it has been classified as a Variant of Uncertain Significance.

NM_174916.3(UBR1):c.4631T>C (p.Leu1544Pro)

Gene: UBR1 (ubiquitin protein ligase E3 component n-recognin 1; minus strand). Cytogenetic location: 15q15.2.
Variant type: single nucleotide variant.
Coding change: c.4631T>C on transcript NM_174916.3 (MANE Select); coding-DNA position 4631, T replaced by C.
Protein change: p.Leu1544Pro; replaces leucine 1544 with proline.
Molecular consequence: missense variant.
Genome position (GRCh38, 1-based): chr15:42,964,004, A>G on the plus strand (T>C on the coding strand, the complement: UBR1 is on the minus strand). VCF-style: chr15-42964004-A-G. GRCh37 (hg19) VCF-style: chr15-43256202-A-G.
Other names: short protein forms L1544P.
Identifiers: ClinVar variation 2055599 (VCV002055599.4), dbSNP rs2542901672, ClinGen allele CA392060929.